The following is an entry in ClinVar:

NM_033409.4(SLC52A3):c.108G>A (p.Glu36=)

Gene: SLC52A3 (solute carrier family 52 member 3; minus strand). Cytogenetic location: 20p13.
Variant type: single nucleotide variant.
Coding change: c.108G>A on transcript NM_033409.4 (MANE Select); coding-DNA position 108, G replaced by A.
Protein change: p.Glu36=; no amino-acid change (glutamic acid 36 retained).
Molecular consequence: synonymous variant.
Genome position (GRCh38, 1-based): chr20:765,667, C>T on the plus strand (G>A on the coding strand, the complement: SLC52A3 is on the minus strand). VCF-style: chr20-765667-C-T. GRCh37 (hg19) VCF-style: chr20-746311-C-T.
Other names: c.108G>A, p.Glu36= (NM_001370085.1, NM_001370086.1).
Identifiers: ClinVar variation 3026727 (VCV003026727.22), dbSNP rs2514853113, ClinGen allele CA509542930.

ClinVar aggregate classification (germline): Likely benign (1 of 4 stars; one submission).

Submission:

CeGaT Center for Human Genetics Tuebingen
Classification: Likely benign. Last evaluated: 2024-01-01. Review status: criteria provided, single submitter. Criteria: CeGaT Center For Human Genetics Tuebingen Variant Classification Criteria Version 2. Collection method: clinical testing. Allele origin: germline. Affected: yes. Observed: 1 variant allele.
Comment: SLC52A3: PM2:Supporting, BP4, BP7